The following is an entry in ClinVar:

ClinVar aggregate classification (germline): Uncertain significance (1 of 4 stars; one submission).

Conditions:
Cardiovascular phenotype. Identifiers: MedGen CN230736.

Allele frequency attached by ClinVar (database versions not stated): gnomAD 0.00001; TOPMed 0.00002.
gnomAD v4.1: 3 of 1,613,818 alleles (0.00019%); highest among the groups gnomAD compares: Admixed American, 0.0017%; no homozygotes.

Submission:

Ambry Genetics
Classification: Uncertain significance for Cardiovascular phenotype. Last evaluated: 2023-07-10. Review status: criteria provided, single submitter. Criteria: Ambry Variant Classification Scheme 2023. Collection method: clinical testing. Allele origin: germline.
Comment: The p.N2629H variant (also known as c.7885A>C), located in coding exon 52 of the RYR2 gene, results from an A to C substitution at nucleotide position 7885. The asparagine at codon 2629 is replaced by histidine, an amino acid with similar properties. This alteration has been reported in a sudden unexplained death cohort (Lin Y et al. Circ Cardiovasc Genet, 2017 Dec;10:). This amino acid position is not well conserved in available vertebrate species. In addition, the in silico prediction for this alteration is inconclusive. Since supporting evidence is limited at this time, the clinical significance of this alteration remains unclear.

Literature cited by the submitters: PubMed 29247119.

NM_001035.3(RYR2):c.7885A>C (p.Asn2629His)

Gene: RYR2 (ryanodine receptor 2; plus strand). Cytogenetic location: 1q43.
Variant type: single nucleotide variant.
Coding change: c.7885A>C on transcript NM_001035.3 (MANE Select); coding-DNA position 7885, A replaced by C.
Protein change: p.Asn2629His; replaces asparagine 2629 with histidine.
Molecular consequence: missense variant.
Genome position (GRCh38, 1-based): chr1:237,654,334, A>C. VCF-style: chr1-237654334-A-C. GRCh37 (hg19) VCF-style: chr1-237817634-A-C.
Other names: short protein forms N2629H.
Identifiers: ClinVar variation 2587826 (VCV002587826.2), dbSNP rs1434302909, ClinGen allele CA345400293.
Genomic context (GRCh38, chr1:237,654,334, plus strand): 5'-CTGCTGACAAATCATTATGAAAGATGCTGGAAATATTACTGCCTGCCTGGAGGGTGGGGA[A>C]ACTTTGGTGCTGCCTCAGAAGAAGAACTTCATTTATCAAGAAAGTTGTTCTGGGGCATTT-3'
Protein context (NP_001026.2, residues 2619-2639): KYYCLPGGWG[Asn2629His]FGAASEEELH